The following is an entry in ClinVar:

ClinVar aggregate classification (germline): Benign. Review status: criteria provided, multiple submitters, no conflicts (2 of 4 stars). 13 submissions from 12 submitters: Benign (11). 2 of the submissions do not count toward it. Last evaluated 2026-02-02.

Conditions:
Familial cutaneous telangiectasia and oropharyngeal predisposition cancer syndrome. Identifiers: Orphanet 313846, MedGen C3281203, MONDO:0013806, OMIM 614564.
Seckel syndrome 1 (SCKL1). Also called: MICROCEPHALIC PRIMORDIAL DWARFISM I. Identifiers: Orphanet 808, MedGen C4551474, MONDO:0008869, OMIM 210600.

Allele frequency attached by ClinVar (database versions not stated): 1000 Genomes Project 30x 0.01702; gnomAD 0.01744 and 0.01791; TOPMed 0.01787; gnomAD exomes 0.01815 and 0.01971; 1000 Genomes Project 0.01837; ExAC 0.01889; ESP Exome Variant Server 0.02038.
gnomAD v4.1: 31,710 of 1,614,050 alleles (2%); highest among the groups gnomAD compares: South Asian, 4.1%; 399 homozygotes.

Submissions (13):

Labcorp Genetics (formerly Invitae), Labcorp
Classification: Benign. Last evaluated: 2026-02-02. Review status: criteria provided, single submitter. Criteria: Invitae Variant Classification Sherloc (09022015). Collection method: clinical testing. Allele origin: germline.

CeGaT Center for Human Genetics Tuebingen
Classification: Benign. Last evaluated: 2025-06-01. Review status: criteria provided, single submitter. Criteria: CeGaT Center For Human Genetics Tuebingen Variant Classification Criteria Version 2. Collection method: clinical testing. Allele origin: germline. Affected: yes. Observed: 1 variant allele.
Comment: ATR: BP4, BS1, BS2

ARUP Laboratories, Molecular Genetics and Genomics, ARUP Laboratories
Classification: Benign. Last evaluated: 2023-11-02. Review status: criteria provided, single submitter. Criteria: ARUP Molecular Germline Variant Investigation Process 2024. Collection method: clinical testing. Allele origin: germline.

KCCC/NGS Laboratory, Kuwait Cancer Control Center
Classification: Benign for Familial cutaneous telangiectasia and oropharyngeal predisposition cancer syndrome. Last evaluated: 2023-07-07. Review status: criteria provided, single submitter. Criteria: ACMG Guidelines, 2015. Collection method: clinical testing. Allele origin: germline. Affected: yes.

Genome-Nilou Lab
Classification: Benign for Seckel syndrome 1. Last evaluated: 2023-02-08. Review status: criteria provided, single submitter. Criteria: ACMG Guidelines, 2015. Collection method: clinical testing. Allele origin: germline.

Genome-Nilou Lab
Classification: Benign for Familial cutaneous telangiectasia and oropharyngeal predisposition cancer syndrome. Last evaluated: 2023-02-08. Review status: criteria provided, single submitter. Criteria: ACMG Guidelines, 2015. Collection method: clinical testing. Allele origin: germline.

Department of Pathology and Laboratory Medicine, Sinai Health System
Classification: Benign for Seckel syndrome 1. Last evaluated: 2021-07-30. Review status: criteria provided, single submitter. Criteria: ACMG Guidelines, 2015. Collection method: research. Allele origin: germline.

Illumina Laboratory Services, Illumina
Classification: Benign for Seckel syndrome 1. Last evaluated: 2018-01-13. Review status: criteria provided, single submitter. Criteria: ICSL Variant Classification Criteria 13 December 2019. Collection method: clinical testing. Allele origin: germline.
Comment: This variant was observed in the ICSL laboratory as part of a predisposition screen in an ostensibly healthy population. It had not been previously curated by ICSL or reported in the Human Gene Mutation Database (HGMD: prior to June 1st, 2018), and was therefore a candidate for classification through an automated scoring system. Utilizing variant allele frequency, disease prevalence and penetrance estimates, and inheritance mode, an automated score was calculated to assess if this variant is too frequent to cause the disease. Based on the score and internal cut-off values, a variant classified as benign is not then subjected to further curation. The score for this variant resulted in a classification of benign for this disease.

GeneDx
Classification: Benign. Last evaluated: 2015-03-03. Review status: criteria provided, single submitter. Criteria: GeneDx Variant Classification Process June 2021. Collection method: clinical testing. Allele origin: germline. Affected: yes.

Genetic Services Laboratory, University of Chicago
Classification: Benign. Last evaluated: 2013-02-08. Review status: criteria provided, single submitter. Criteria: ACMG Guidelines, 2007. Collection method: clinical testing. Allele origin: germline. Inheritance: Autosomal recessive inheritance.

Breakthrough Genomics
Classification: Benign. Review status: criteria provided, single submitter. Criteria: ACMG Guidelines, 2015. Collection method: not provided. Allele origin: germline. Inheritance: Autosomal recessive inheritance. Affected: yes.

Clinical Genetics DNA and cytogenetics Diagnostics Lab, Erasmus MC, Erasmus Medical Center
Classification: Likely benign. Review status: no assertion criteria provided. Collection method: clinical testing. Allele origin: germline. Affected: yes. Study: VKGL Data-share Consensus. Not counted in ClinVar's aggregate classification.

Laboratory of Diagnostic Genome Analysis, Leiden University Medical Center (LUMC)
Classification: Likely benign. Review status: no assertion criteria provided. Collection method: clinical testing. Allele origin: germline. Affected: yes. Study: VKGL Data-share Consensus. Not counted in ClinVar's aggregate classification.

NM_001184.4(ATR):c.946G>A (p.Val316Ile)

Gene: ATR (ATR checkpoint kinase; minus strand). Cytogenetic location: 3q23.
Variant type: single nucleotide variant.
Coding change: c.946G>A on transcript NM_001184.4 (MANE Select); coding-DNA position 946, G replaced by A.
Protein change: p.Val316Ile; replaces valine 316 with isoleucine.
Molecular consequence: missense variant.
Genome position (GRCh38, 1-based): chr3:142,562,456, C>T on the plus strand (G>A on the coding strand, the complement: ATR is on the minus strand). VCF-style: chr3-142562456-C-T. GRCh37 (hg19) VCF-style: chr3-142281298-C-T.
Other names: c.946G>A, p.Val316Ile (NM_001354579.2); short protein forms V316I.
Identifiers: ClinVar variation 158006 (VCV000158006.43), dbSNP rs28897764, ClinGen allele CA171384.